The following is an entry in ClinVar:

NM_016529.6(ATP8A2):c.1038C>A (p.Asn346Lys)

Gene: ATP8A2 (ATPase phospholipid transporting 8A2). Cytogenetic location: 13q12.13.
Variant type: single nucleotide variant.
Coding change: c.1038C>A on transcript NM_016529.6 (MANE Select); coding-DNA position 1038, C replaced by A.
Protein change: p.Asn346Lys; replaces asparagine 346 with lysine.
Molecular consequence: missense variant.
Genome position (GRCh38, 1-based): chr13:25,551,484, C>A. VCF-style: chr13-25551484-C-A. GRCh37 (hg19) VCF-style: chr13-26125622-C-A.
Other names: c.918C>A, p.Asn306Lys (NM_001313741.1); c.1038C>A, p.Asn346Lys (NM_001411005.1, NM_001411006.1); short protein forms N306K, N346K.
Identifiers: ClinVar variation 1916827 (VCV001916827.5), dbSNP rs909698980, ClinGen allele CA247138271.

ClinVar aggregate classification (germline): Uncertain significance (1 of 4 stars; one submission).

Allele frequency attached by ClinVar (database versions not stated): TOPMed below 0.00001; gnomAD exomes 0.00002.
gnomAD v4.1: 33 of 1,607,634 alleles (0.0021%); highest among the groups gnomAD compares: Non-Finnish European, 0.0026%; no homozygotes.

Submission:

Labcorp Genetics (formerly Invitae), Labcorp
Classification: Uncertain significance. Last evaluated: 2022-09-07. Review status: criteria provided, single submitter. Criteria: Invitae Variant Classification Sherloc (09022015). Collection method: clinical testing. Allele origin: germline.
Comment: In summary, the available evidence is currently insufficient to determine the role of this variant in disease. Therefore, it has been classified as a Variant of Uncertain Significance. Algorithms developed to predict the effect of missense changes on protein structure and function (SIFT, PolyPhen-2, Align-GVGD) all suggest that this variant is likely to be tolerated. This variant has not been reported in the literature in individuals affected with ATP8A2-related conditions. This variant is not present in population databases (gnomAD no frequency). This sequence change replaces asparagine, which is neutral and polar, with lysine, which is basic and polar, at codon 346 of the ATP8A2 protein (p.Asn346Lys).